The following is an entry in ClinVar:

ClinVar aggregate classification (germline): Likely benign (1 of 4 stars; one submission).

Conditions:
CBFB-related disorder. Also called: CBFB-related condition.

gnomAD v4.1: 292 of 1,608,426 alleles (0.018%); highest among the groups gnomAD compares: South Asian, 0.3%; 4 homozygotes.

Submission:

PreventionGenetics, part of Exact Sciences
Classification: Likely benign for CBFB-related condition. Last evaluated: 2025-07-25. Review status: criteria provided, single submitter. Criteria: ACMG Guidelines, 2015. Collection method: clinical testing. Allele origin: germline.
Comment: This variant is classified as likely benign based on ACMG/AMP sequence variant interpretation guidelines (Richards et al. 2015 PMID: 25741868, with internal and published modifications).

NM_022845.3(CBFB):c.538G>A (p.Gly180Ser)

Gene: CBFB (core-binding factor subunit beta; plus strand). Cytogenetic location: 16q22.1.
Variant type: single nucleotide variant.
Coding change: c.538G>A on transcript NM_022845.3 (MANE Select); coding-DNA position 538, G replaced by A.
Protein change: p.Gly180Ser; replaces glycine 180 with serine.
Molecular consequence: missense variant. On other transcripts: 3 prime UTR variant (3).
Genome position (GRCh38, 1-based): chr16:67,098,752, G>A. VCF-style: chr16-67098752-G-A. GRCh37 (hg19) VCF-style: chr16-67132655-G-A.
Other names: c.421G>A, p.Gly141Ser (NM_001368707.1, NM_001368708.1); c.*20G>A (NM_001368709.1, NM_001368710.1, NM_001755.3); short protein forms G141S, G180S.
Identifiers: ClinVar variation 4980464 (VCV004980464.1).